The following is an entry in ClinVar:

ClinVar aggregate classification (germline): Uncertain significance. Review status: criteria provided, multiple submitters, no conflicts (2 of 4 stars). 2 submissions from 2 submitters: Uncertain significance (2). Last evaluated 2024-10-21.

Conditions:
Hereditary cancer-predisposing syndrome. Also called: Neoplastic Syndromes, Hereditary; Hereditary Cancer Syndrome; Hereditary neoplastic syndrome; Tumor predisposition. Identifiers: Orphanet 140162, MedGen C0027672, MeSH D009386, MONDO:0015356.
Bloom syndrome (BLM). Also called: Bloom-Torre-Machacek syndrome. Identifiers: Orphanet 125, MedGen C0005859, MONDO:0008876, OMIM 210900.

gnomAD v4.1: 1 of 1,614,150 alleles (0.000062%); highest among the groups gnomAD compares: South Asian, 0.0011%; no homozygotes.

Submissions (2):

Labcorp Genetics (formerly Invitae), Labcorp
Classification: Uncertain significance for Bloom syndrome. Last evaluated: 2024-10-21. Review status: criteria provided, single submitter. Criteria: Invitae Variant Classification Sherloc (09022015). Collection method: clinical testing. Allele origin: germline.
Comment: This sequence change replaces lysine, which is basic and polar, with asparagine, which is neutral and polar, at codon 1403 of the BLM protein (p.Lys1403Asn). This variant is present in population databases (no rsID available, gnomAD 0.003%). This variant has not been reported in the literature in individuals affected with BLM-related conditions. ClinVar contains an entry for this variant (Variation ID: 2561128). An algorithm developed to predict the effect of missense changes on protein structure and function (PolyPhen-2) suggests that this variant is likely to be disruptive. In summary, the available evidence is currently insufficient to determine the role of this variant in disease. Therefore, it has been classified as a Variant of Uncertain Significance.

Ambry Genetics
Classification: Uncertain significance for Hereditary cancer-predisposing syndrome. Last evaluated: 2023-03-20. Review status: criteria provided, single submitter. Criteria: Ambry Variant Classification Scheme 2023. Collection method: clinical testing. Allele origin: germline.
Comment: The p.K1403N variant (also known as c.4209G>T), located in coding exon 21 of the BLM gene, results from a G to T substitution at nucleotide position 4209. The lysine at codon 1403 is replaced by asparagine, an amino acid with similar properties. This amino acid position is conserved. In addition, this alteration is predicted to be tolerated by in silico analysis. Since supporting evidence is limited at this time, the clinical significance of this alteration remains unclear.

NM_000057.4(BLM):c.4209G>T (p.Lys1403Asn)

Gene: BLM (BLM RecQ like helicase; plus strand). Cytogenetic location: 15q26.1.
Variant type: single nucleotide variant.
Coding change: c.4209G>T on transcript NM_000057.4 (MANE Select); coding-DNA position 4209, G replaced by T.
Protein change: p.Lys1403Asn; replaces lysine 1403 with asparagine.
Molecular consequence: missense variant.
Genome position (GRCh38, 1-based): chr15:90,815,234, G>T. VCF-style: chr15-90815234-G-T. GRCh37 (hg19) VCF-style: chr15-91358464-G-T.
Other names: c.4209G>T, p.Lys1403Asn (NM_001287246.2); c.3816G>T, p.Lys1272Asn (NM_001287247.2); c.3084G>T, p.Lys1028Asn (NM_001287248.2); short protein forms K1028N, K1403N, K1272N.
Identifiers: ClinVar variation 2561128 (VCV002561128.4), dbSNP rs1254277623, ClinGen allele CA393852685.